The following is an entry in ClinVar:

NM_018089.3(ANKZF1):c.1487A>G (p.Asn496Ser)

Gene: ANKZF1 (ankyrin repeat and zinc finger peptidyl tRNA hydrolase 1; plus strand). Cytogenetic location: 2q35.
Variant type: single nucleotide variant.
Coding change: c.1487A>G on transcript NM_018089.3 (MANE Select); coding-DNA position 1487, A replaced by G.
Protein change: p.Asn496Ser; replaces asparagine 496 with serine.
Molecular consequence: missense variant.
Genome position (GRCh38, 1-based): chr2:219,235,108, A>G. VCF-style: chr2-219235108-A-G. GRCh37 (hg19) VCF-style: chr2-220099830-A-G.
Other names: c.1487A>G, p.Asn496Ser (NM_001042410.2); c.857A>G, p.Asn286Ser (NM_001282792.2); short protein forms N286S, N496S.
Identifiers: ClinVar variation 1500727 (VCV001500727.9), dbSNP rs199921422, ClinGen allele CA2121075.

ClinVar aggregate classification (germline): Uncertain significance (1 of 4 stars; one submission).

Allele frequency attached by ClinVar (database versions not stated): ExAC 0.00002; gnomAD exomes 0.00002 and 0.00004; gnomAD 0.00003 and 0.00004; TOPMed 0.00005; 1000 Genomes Project 0.00020; 1000 Genomes Project 30x 0.00031.
gnomAD v4.1: 68 of 1,614,180 alleles (0.0042%); highest among the groups gnomAD compares: Non-Finnish European, 0.0049%; no homozygotes.

Submission:

Labcorp Genetics (formerly Invitae), Labcorp
Classification: Uncertain significance. Last evaluated: 2026-01-06. Review status: criteria provided, single submitter. Criteria: Invitae Variant Classification Sherloc (09022015). Collection method: clinical testing. Allele origin: germline.
Comment: This sequence change replaces asparagine, which is neutral and polar, with serine, which is neutral and polar, at codon 496 of the ANKZF1 protein (p.Asn496Ser). This variant is present in population databases (rs199921422, gnomAD 0.004%). This variant has not been reported in the literature in individuals affected with ANKZF1-related conditions. ClinVar contains an entry for this variant (Variation ID: 1500727). An algorithm developed to predict the effect of missense changes on protein structure and function (PolyPhen-2) suggests that this variant is likely to be tolerated. In summary, the available evidence is currently insufficient to determine the role of this variant in disease. Therefore, it has been classified as a Variant of Uncertain Significance.